The following is an entry in ClinVar:

ClinVar aggregate classification (germline): Uncertain significance (1 of 4 stars; one submission).

Conditions:
Primary ciliary dyskinesia. Also called: Ciliary dyskinesia. Identifiers: Orphanet 244, MedGen C0008780, MONDO:0016575, HP:0012265.

gnomAD v4.1: 1 of 1,614,044 alleles (0.000062%); highest among the groups gnomAD compares: Non-Finnish European, 0.000085%; no homozygotes.

Submission:

Labcorp Genetics (formerly Invitae), Labcorp
Classification: Uncertain significance for Primary ciliary dyskinesia. Last evaluated: 2020-12-13. Review status: criteria provided, single submitter. Criteria: Invitae Variant Classification Sherloc (09022015). Collection method: clinical testing. Allele origin: germline.
Comment: In summary, the available evidence is currently insufficient to determine the role of this variant in disease. Therefore, it has been classified as a Variant of Uncertain Significance. Algorithms developed to predict the effect of sequence changes on RNA splicing suggest that this variant may create or strengthen a splice site, but this prediction has not been confirmed by published transcriptional studies. Algorithms developed to predict the effect of missense changes on protein structure and function (SIFT, PolyPhen-2, Align-GVGD) all suggest that this variant is likely to be tolerated, but these predictions have not been confirmed by published functional studies and their clinical significance is uncertain. This variant has not been reported in the literature in individuals with RSPH9-related conditions. This variant is not present in population databases (ExAC no frequency). This sequence change replaces lysine with threonine at codon 223 of the RSPH9 protein (p.Lys223Thr). The lysine residue is weakly conserved and there is a moderate physicochemical difference between lysine and threonine.

NM_152732.5(RSPH9):c.668A>C (p.Lys223Thr)

Gene: RSPH9 (radial spoke head component 9; plus strand). Cytogenetic location: 6p21.1.
Variant type: single nucleotide variant.
Coding change: c.668A>C on transcript NM_152732.5 (MANE Select); coding-DNA position 668, A replaced by C.
Protein change: p.Lys223Thr; replaces lysine 223 with threonine.
Molecular consequence: missense variant. On other transcripts: non-coding transcript variant (2).
Genome position (GRCh38, 1-based): chr6:43,656,721, A>C. VCF-style: chr6-43656721-A-C. GRCh37 (hg19) VCF-style: chr6-43624458-A-C.
Other names: c.623A>C, p.Lys208Thr (NM_001193341.2, NM_001424120.1); c.668A>C, p.Lys223Thr (NM_001424119.1, NM_001424121.1); short protein forms K223T, K208T.
Identifiers: ClinVar variation 1356240 (VCV001356240.9), dbSNP rs772608546, ClinGen allele CA364290393.